The following is an entry in ClinVar:

ClinVar aggregate classification (germline): Uncertain significance (1 of 4 stars; one submission).

Conditions:
Congenital factor V deficiency. Also called: LABILE FACTOR DEFICIENCY; OWREN PARAHEMOPHILIA; PARAHEMOPHILIA; Hereditary factor V deficiency disease. Identifiers: Orphanet 326, MedGen C0015499, MONDO:0009210, OMIM 227400.

gnomAD v4.1: 14 of 1,613,636 alleles (0.00087%); highest among the groups gnomAD compares: Non-Finnish European, 0.0011%; no homozygotes.

Submission:

Labcorp Genetics (formerly Invitae), Labcorp
Classification: Uncertain significance for Congenital factor V deficiency. Last evaluated: 2025-06-11. Review status: criteria provided, single submitter. Criteria: Invitae Variant Classification Sherloc (09022015). Collection method: clinical testing. Allele origin: germline.
Comment: This sequence change replaces arginine, which is basic and polar, with histidine, which is basic and polar, at codon 2108 of the F5 protein (p.Arg2108His). This variant is present in population databases (rs751124066, gnomAD 0.002%). This variant has not been reported in the literature in individuals affected with F5-related conditions. Invitae Evidence Modeling of protein sequence and biophysical properties (such as structural, functional, and spatial information, amino acid conservation, physicochemical variation, residue mobility, and thermodynamic stability) indicates that this missense variant is not expected to disrupt F5 protein function with a negative predictive value of 95%. In summary, the available evidence is currently insufficient to determine the role of this variant in disease. Therefore, it has been classified as a Variant of Uncertain Significance.

NM_000130.5(F5):c.6323G>A (p.Arg2108His)

Gene: F5 (coagulation factor V; minus strand). Cytogenetic location: 1q24.2.
Variant type: single nucleotide variant.
Coding change: c.6323G>A on transcript NM_000130.5 (MANE Select); coding-DNA position 6323, G replaced by A.
Protein change: p.Arg2108His; replaces arginine 2108 with histidine.
Molecular consequence: missense variant.
Genome position (GRCh38, 1-based): chr1:169,518,434, C>T on the plus strand (G>A on the coding strand, the complement: F5 is on the minus strand). VCF-style: chr1-169518434-C-T. GRCh37 (hg19) VCF-style: chr1-169487672-C-T.
Other names: short protein forms R2108H.
Identifiers: ClinVar variation 4750992 (VCV004750992.1).